The following is an entry in ClinVar:

ClinVar aggregate classification (germline): Likely benign (1 of 4 stars; one submission).

Allele frequency attached by ClinVar (database versions not stated): gnomAD exomes 0.00018.

Submission:

CeGaT Center for Human Genetics Tuebingen
Classification: Likely benign. Last evaluated: 2025-07-01. Review status: criteria provided, single submitter. Criteria: CeGaT Center For Human Genetics Tuebingen Variant Classification Criteria Version 2. Collection method: clinical testing. Allele origin: germline. Affected: yes. Observed: 2 variant alleles.
Comment: ZMYM3: BP4, BS2

NM_201599.3(ZMYM3):c.2446C>T (p.Pro816Ser)

Gene: ZMYM3 (zinc finger MYM-type containing 3; minus strand). Cytogenetic location: Xq13.1.
Variant type: single nucleotide variant.
Coding change: c.2446C>T on transcript NM_201599.3 (MANE Select); coding-DNA position 2446, C replaced by T.
Protein change: p.Pro816Ser; replaces proline 816 with serine.
Molecular consequence: missense variant.
Genome position (GRCh38, 1-based): chrX:71,246,479, G>A on the plus strand (C>T on the coding strand, the complement: ZMYM3 is on the minus strand). VCF-style: chrX-71246479-G-A. GRCh37 (hg19) VCF-style: chrX-70466329-G-A.
Other names: c.2410C>T, p.Pro804Ser (NM_001171162.1); c.2446C>T, p.Pro816Ser (NM_005096.3); short protein forms P804S, P816S.
Identifiers: ClinVar variation 2660865 (VCV002660865.24), dbSNP rs1409957564, ClinGen allele CA413512281.